The following is an entry in ClinVar:

NM_020632.3(ATP6V0A4):c.2458G>A (p.Gly820Arg)

Gene: ATP6V0A4 (ATPase H+ transporting V0 subunit a4; minus strand). Cytogenetic location: 7q34.
Variant type: single nucleotide variant.
Coding change: c.2458G>A on transcript NM_020632.3 (MANE Select); coding-DNA position 2458, G replaced by A.
Protein change: p.Gly820Arg; replaces glycine 820 with arginine.
Molecular consequence: missense variant.
Genome position (GRCh38, 1-based): chr7:138,706,689, C>T on the plus strand (G>A on the coding strand, the complement: ATP6V0A4 is on the minus strand). VCF-style: chr7-138706689-C-T. GRCh37 (hg19) VCF-style: chr7-138391434-C-T.
Other names: c.2458G>A, p.Gly820Arg (NM_130840.3, NM_130841.3); short protein forms G820R.
Identifiers: ClinVar variation 5151 (VCV000005151.15), dbSNP rs267606671, ClinGen allele CA117288.
Genomic context (GRCh38, chr7:138,706,689, plus strand): 5'-CCTCGGCTGTGCCATCCAGGATGTGTTTAAAGGAGAATGGAGAAAACTTGTAACCATCCC[C>T]GACATAGAACTTGTTCTGGAACTCAACCCTGTTGTTGAGGGGAGGCCGTGGGGTAAGAAA-3'
Protein context (NP_065683.2, residues 810-830): WVEFQNKFYV[Gly820Arg]DGYKFSPFSF

ClinVar aggregate classification (germline): Uncertain significance. Review status: criteria provided, multiple submitters, no conflicts (2 of 4 stars). 4 submissions from 4 submitters: Uncertain significance (3). 1 of the submissions does not count toward it. Last evaluated 2026-08-10.

Conditions:
Renal tubular acidosis, distal, 3, with or without sensorineural hearing loss (DRTA3). Identifiers: MedGen C5399980, MONDO:0011268, OMIM 602722.
Renal tubulopathies.

Allele frequency attached by ClinVar (database versions not stated): ESP Exome Variant Server 0.00008; ExAC 0.00002; TOPMed 0.00006; gnomAD 0.00010.
gnomAD v4.1: 121 of 1,613,592 alleles (0.0075%); highest among the groups gnomAD compares: Non-Finnish European, 0.01%; no homozygotes.

Submissions (4):

Genetics Laboratory, Great Ormond Street Hospital NHS Foundation Trust, North Thames Genomic Laboratory Hub
Classification: Uncertain significance for Renal tubulopathies. Last evaluated: 2026-08-10. Review status: criteria provided, single submitter. Criteria: ACGS Best Practice Guidelines for Variant Classification in Rare Disease 2024 v1.2. Collection method: clinical testing. Allele origin: germline. Affected: yes.
Comment: PM2_moderate, PP3_supporting, PS3_supporting

Fulgent Genetics
Classification: Uncertain significance for Renal tubular acidosis, distal, 3, with or without sensorineural hearing loss. Last evaluated: 2024-05-16. Review status: criteria provided, single submitter. Criteria: ACMG Guidelines, 2015. Collection method: clinical testing. Allele origin: germline.

Labcorp Genetics (formerly Invitae), Labcorp
Classification: Uncertain significance. Last evaluated: 2023-12-03. Review status: criteria provided, single submitter. Criteria: Invitae Variant Classification Sherloc (09022015). Collection method: clinical testing. Allele origin: germline.
Comment: This sequence change replaces glycine, which is neutral and non-polar, with arginine, which is basic and polar, at codon 820 of the ATP6V0A4 protein (p.Gly820Arg). This variant is present in population databases (rs267606671, gnomAD 0.01%). This missense change has been observed in individual(s) with distal renal tubular acidosis (PMID: 10973252). ClinVar contains an entry for this variant (Variation ID: 5151). Advanced modeling of protein sequence and biophysical properties (such as structural, functional, and spatial information, amino acid conservation, physicochemical variation, residue mobility, and thermodynamic stability) performed at Invitae indicates that this missense variant is expected to disrupt ATP6V0A4 protein function with a positive predictive value of 80%. Experimental studies have shown that this missense change affects ATP6V0A4 function (PMID: 18632794, 29311258). In summary, the available evidence is currently insufficient to determine the role of this variant in disease. Therefore, it has been classified as a Variant of Uncertain Significance.

OMIM
Classification: Pathogenic for RENAL TUBULAR ACIDOSIS, DISTAL, 3, WITHOUT SENSORINEURAL HEARING LOSS. Last evaluated: 2000-09-01. Review status: no assertion criteria provided. Collection method: literature only. Allele origin: germline. Not counted in ClinVar's aggregate classification.

Literature cited by the submitters: PubMed 10973252 (cited by Labcorp Genetics (formerly Invitae), Labcorp and OMIM); PubMed 18632794 (cited by Labcorp Genetics (formerly Invitae), Labcorp); PubMed 29311258 (cited by Labcorp Genetics (formerly Invitae), Labcorp).